The following is an entry in ClinVar:

ClinVar aggregate classification (germline): Uncertain significance. Review status: criteria provided, multiple submitters, no conflicts (2 of 4 stars). 3 submissions from 3 submitters: Uncertain significance (3). Last evaluated 2024-04-10.

Conditions:
Inborn genetic diseases. Identifiers: MedGen C0950123, MeSH D030342.
ALG1-congenital disorder of glycosylation. Also called: ALG1-CDG; CONGENITAL DISORDER OF GLYCOSYLATION, TYPE Ik; CDG Ik. Identifiers: Orphanet 79327, MedGen C2931005, MONDO:0012052, OMIM 608540.

Allele frequency attached by ClinVar (database versions not stated): gnomAD 0.00001 and 0.00002; TOPMed 0.00001; gnomAD exomes 0.00003; ExAC 0.00006.
gnomAD v4.1: 52 of 1,614,074 alleles (0.0032%); highest among the groups gnomAD compares: East Asian, 0.11%; no homozygotes.

Submissions (3):

Fulgent Genetics
Classification: Uncertain significance for ALG1-congenital disorder of glycosylation. Last evaluated: 2024-04-10. Review status: criteria provided, single submitter. Criteria: ACMG Guidelines, 2015. Collection method: clinical testing. Allele origin: germline.

Ambry Genetics
Classification: Uncertain significance for Inborn genetic diseases. Last evaluated: 2023-04-05. Review status: criteria provided, single submitter. Criteria: Ambry Variant Classification Scheme 2023. Collection method: clinical testing. Allele origin: germline.

Labcorp Genetics (formerly Invitae), Labcorp
Classification: Uncertain significance for ALG1-congenital disorder of glycosylation. Last evaluated: 2021-11-06. Review status: criteria provided, single submitter. Criteria: Invitae Variant Classification Sherloc (09022015). Collection method: clinical testing. Allele origin: germline.
Comment: This sequence change replaces cysteine, which is neutral and slightly polar, with phenylalanine, which is neutral and non-polar, at codon 148 of the ALG1 protein (p.Cys148Phe). This variant is present in population databases (rs767756401, gnomAD 0.03%). This variant has not been reported in the literature in individuals affected with ALG1-related conditions. Advanced modeling of protein sequence and biophysical properties (such as structural, functional, and spatial information, amino acid conservation, physicochemical variation, residue mobility, and thermodynamic stability) performed at Invitae indicates that this missense variant is not expected to disrupt ALG1 protein function. In summary, the available evidence is currently insufficient to determine the role of this variant in disease. Therefore, it has been classified as a Variant of Uncertain Significance.

NM_019109.5(ALG1):c.443G>T (p.Cys148Phe)

Gene: ALG1 (ALG1 chitobiosyldiphosphodolichol beta-mannosyltransferase; plus strand). Cytogenetic location: 16p13.3.
Variant type: single nucleotide variant.
Coding change: c.443G>T on transcript NM_019109.5 (MANE Select); coding-DNA position 443, G replaced by T.
Protein change: p.Cys148Phe; replaces cysteine 148 with phenylalanine.
Molecular consequence: missense variant.
Genome position (GRCh38, 1-based): chr16:5,075,440, G>T. VCF-style: chr16-5075440-G-T. GRCh37 (hg19) VCF-style: chr16-5125441-G-T.
Other names: c.443G>T (NM_019109.4); c.110G>T, p.Cys37Phe (NM_001330504.2); short protein forms C37F, C148F.
Identifiers: ClinVar variation 1416999 (VCV001416999.5), dbSNP rs767756401, ClinGen allele CA7889833.